The following is an entry in ClinVar:

ClinVar aggregate classification (germline): Uncertain significance (1 of 4 stars; one submission).

Conditions:
Nephronophthisis. Also called: Juvenile Nephronophthisis. Identifiers: Orphanet 655, MedGen C0687120, MONDO:0019005, HP:0000090.
Jeune thoracic dystrophy. Also called: Jeune syndrome; Infantile thoracic dystrophy; Thoracic pelvic phalangeal dystrophy; Jeune's syndrome; Chondroectodermal dysplasia-like syndrome; Short-rib thoracic dysplasia. Identifiers: Orphanet 474, MedGen C0265275, MONDO:0018770.

Allele frequency attached by ClinVar (database versions not stated): TOPMed below 0.00001; gnomAD 0.00001; gnomAD exomes 0.00002; ExAC 0.00003.
gnomAD v4.1: 29 of 1,612,880 alleles (0.0018%); highest among the groups gnomAD compares: East Asian, 0.031%; no homozygotes.

Submission:

Labcorp Genetics (formerly Invitae), Labcorp
Classification: Uncertain significance for Jeune thoracic dystrophy; Nephronophthisis. Last evaluated: 2021-10-20. Review status: criteria provided, single submitter. Criteria: Invitae Variant Classification Sherloc (09022015). Collection method: clinical testing. Allele origin: germline.
Comment: In summary, the available evidence is currently insufficient to determine the role of this variant in disease. Therefore, it has been classified as a Variant of Uncertain Significance. Algorithms developed to predict the effect of sequence changes on RNA splicing suggest that this variant may create or strengthen a splice site. Algorithms developed to predict the effect of missense changes on protein structure and function are either unavailable or do not agree on the potential impact of this missense change (SIFT: "Deleterious"; PolyPhen-2: "Probably Damaging"; Align-GVGD: "Class C0"). This variant has not been reported in the literature in individuals affected with TTC21B-related conditions. This variant is present in population databases (rs771598715, ExAC 0.006%). This sequence change replaces asparagine with serine at codon 1227 of the TTC21B protein (p.Asn1227Ser). The asparagine residue is highly conserved and there is a small physicochemical difference between asparagine and serine.

NM_024753.5(TTC21B):c.3680A>G (p.Asn1227Ser)

Gene: TTC21B (tetratricopeptide repeat domain 21B; minus strand). Cytogenetic location: 2q24.3.
Variant type: single nucleotide variant.
Coding change: c.3680A>G on transcript NM_024753.5 (MANE Select); coding-DNA position 3680, A replaced by G.
Protein change: p.Asn1227Ser; replaces asparagine 1227 with serine.
Molecular consequence: missense variant.
Genome position (GRCh38, 1-based): chr2:165,883,798, T>C on the plus strand (A>G on the coding strand, the complement: TTC21B is on the minus strand). VCF-style: chr2-165883798-T-C. GRCh37 (hg19) VCF-style: chr2-166740308-T-C.
Other names: short protein forms N1227S.
Identifiers: ClinVar variation 1487176 (VCV001487176.6), dbSNP rs771598715, ClinGen allele CA1941453.